The following is an entry in ClinVar:

ClinVar aggregate classification (germline): Uncertain significance. Review status: criteria provided, multiple submitters, no conflicts (2 of 4 stars). 2 submissions from 2 submitters: Uncertain significance (2). Last evaluated 2025-03-20.

Allele frequency attached by ClinVar (database versions not stated): gnomAD exomes below 0.00001; TOPMed 0.00001; ExAC 0.00002; gnomAD 0.00002.
gnomAD v4.1: 7 of 1,613,988 alleles (0.00043%); highest among the groups gnomAD compares: East Asian, 0.013%; no homozygotes.

Submissions (2):

Ambry Genetics
Classification: Uncertain significance. Last evaluated: 2025-03-20. Review status: criteria provided, single submitter. Criteria: Ambry Variant Classification Scheme 2023. Collection method: clinical testing. Allele origin: germline.
Comment: The p.T444I variant (also known as c.1331C>T), located in coding exon 1 of the TET2 gene, results from a C to T substitution at nucleotide position 1331. The threonine at codon 444 is replaced by isoleucine, an amino acid with similar properties. This amino acid position is conserved. In addition, this alteration is predicted to be tolerated by in silico analysis. Based on the available evidence, the clinical significance of this variant remains unclear.

Labcorp Genetics (formerly Invitae), Labcorp
Classification: Uncertain significance. Last evaluated: 2024-04-02. Review status: criteria provided, single submitter. Criteria: Invitae Variant Classification Sherloc (09022015). Collection method: clinical testing. Allele origin: germline.
Comment: This sequence change replaces threonine, which is neutral and polar, with isoleucine, which is neutral and non-polar, at codon 444 of the TET2 protein (p.Thr444Ile). This variant is present in population databases (rs752397883, gnomAD 0.04%). This variant has not been reported in the literature in individuals affected with TET2-related conditions. ClinVar contains an entry for this variant (Variation ID: 2189134). An algorithm developed to predict the effect of missense changes on protein structure and function (PolyPhen-2) suggests that this variant is likely to be tolerated. In summary, the available evidence is currently insufficient to determine the role of this variant in disease. Therefore, it has been classified as a Variant of Uncertain Significance.

NM_001127208.3(TET2):c.1331C>T (p.Thr444Ile)

Genes: TET2 (tet methylcytosine dioxygenase 2; plus strand), TET2-AS1 (TET2 antisense RNA 1; minus strand). Cytogenetic location: 4q24.
Variant type: single nucleotide variant.
Coding change: c.1331C>T on transcript NM_001127208.3 (MANE Select); coding-DNA position 1331, C replaced by T.
Protein change: p.Thr444Ile; replaces threonine 444 with isoleucine.
Molecular consequence: missense variant.
Genome position (GRCh38, 1-based): chr4:105,235,273, C>T. VCF-style: chr4-105235273-C-T. GRCh37 (hg19) VCF-style: chr4-106156430-C-T.
Other names: c.1331C>T, p.Thr444Ile (NM_017628.4); short protein forms T444I.
Identifiers: ClinVar variation 2189134 (VCV002189134.6), dbSNP rs752397883, ClinGen allele CA3031660.